The following is an entry in ClinVar:

NM_001267550.2(TTN):c.180T>C (p.Asp60=)

Gene: TTN (titin; minus strand). Cytogenetic location: 2q31.2.
Variant type: single nucleotide variant.
Coding change: c.180T>C on transcript NM_001267550.2 (MANE Select); coding-DNA position 180, T replaced by C.
Protein change: p.Asp60=; no amino-acid change (aspartic acid 60 retained).
Molecular consequence: synonymous variant.
Genome position (GRCh38, 1-based): chr2:178,802,253, A>G on the plus strand (T>C on the coding strand, the complement: TTN is on the minus strand). VCF-style: chr2-178802253-A-G. GRCh37 (hg19) VCF-style: chr2-179666980-A-G.
Other names: c.180T>C, p.Asp60= (NM_003319.4, NM_133379.5, NM_133432.3 and 3 more transcripts).
Identifiers: ClinVar variation 238712 (VCV000238712.26), dbSNP rs144750850, ClinGen allele CA2006399.
Genomic context (GRCh38, chr2:178,802,253, plus strand): 5'-CAGGGAATATCGTCCACTGTTGGCTTTAGTCACGGCGGGGATCGTCAGTTTAGCGCGGCC[A>G]TCGCTAAAGGAGATCTGCACGCCGGGCAGAGTGGAAGTGGAAATCACCTGGCCATCCCTA-3'
Protein context (NP_001254479.2, residues 50-70): TLPGVQISFS[Asp60=]GRAKLTIPAV

ClinVar aggregate classification (germline): Conflicting classifications of pathogenicity. Review status: criteria provided, conflicting classifications (1 of 4 stars). 7 submissions from 7 submitters: Uncertain significance (1); Benign (1); Likely benign (5). Last evaluated 2026-02-02.

Conditions:
Cardiovascular phenotype. Identifiers: MedGen CN230736.
Autosomal recessive limb-girdle muscular dystrophy type 2J (LGMDR10). Also called: MUSCULAR DYSTROPHY, LIMB-GIRDLE, AUTOSOMAL RECESSIVE 10; Limb-girdle muscular dystrophy, type 2J. Identifiers: Orphanet 140922, MedGen C1837342, MONDO:0012127, OMIM 608807.
Dilated cardiomyopathy 1G (CMD1G). Identifiers: Orphanet 154, MedGen C1858763, MONDO:0011400, OMIM 604145.
TTN-related disorder. Also called: TTN-related condition; TTN-related disease; TTN-related disorders.

Allele frequency attached by ClinVar (database versions not stated): gnomAD exomes 0.00009; TOPMed 0.00035; gnomAD 0.00037 and 0.00038; ESP Exome Variant Server 0.00054; ExAC 0.00008.
gnomAD v4.1: 103 of 1,614,070 alleles (0.0064%); highest among the groups gnomAD compares: African/African-American, 0.11%; no homozygotes.

Submissions (7):

Labcorp Genetics (formerly Invitae), Labcorp
Classification: Benign for Dilated cardiomyopathy 1G; Autosomal recessive limb-girdle muscular dystrophy type 2J. Last evaluated: 2026-02-02. Review status: criteria provided, single submitter. Criteria: Invitae Variant Classification Sherloc (09022015). Collection method: clinical testing. Allele origin: germline.

PreventionGenetics, part of Exact Sciences
Classification: Likely benign for TTN-related condition. Last evaluated: 2025-04-30. Review status: criteria provided, single submitter. Criteria: ACMG Guidelines, 2015. Collection method: clinical testing. Allele origin: germline.
Comment: This variant is classified as likely benign based on ACMG/AMP sequence variant interpretation guidelines (Richards et al. 2015 PMID: 25741868, with internal and published modifications).

Women's Health and Genetics/Laboratory Corporation of America, LabCorp
Classification: Likely benign. Last evaluated: 2024-11-19. Review status: criteria provided, single submitter. Criteria: LabCorp Variant Classification Summary - May 2015. Collection method: clinical testing. Allele origin: germline.

GeneDx
Classification: Likely benign. Last evaluated: 2021-05-14. Review status: criteria provided, single submitter. Criteria: GeneDx Variant Classification Process June 2021. Collection method: clinical testing. Allele origin: germline. Affected: yes.

Ambry Genetics
Classification: Likely benign for Cardiovascular phenotype. Last evaluated: 2019-05-08. Review status: criteria provided, single submitter. Criteria: Ambry Variant Classification Scheme 2023. Collection method: clinical testing. Allele origin: germline.

Eurofins Ntd Llc (ga)
Classification: Uncertain significance. Last evaluated: 2017-09-19. Review status: criteria provided, single submitter. Criteria: EGL Classification Definitions 2015. Collection method: clinical testing. Allele origin: germline. Observed: 3 variant alleles, 3 heterozygotes.

Laboratory for Molecular Medicine, Mass General Brigham Personalized Medicine
Classification: Likely benign. Last evaluated: 2016-05-27. Review status: criteria provided, single submitter. Criteria: LMM Criteria. Collection method: clinical testing. Allele origin: germline. Observed: 1 variant allele.
Comment: p.Asp60Asp in exon 3 of TTN: This variant is not expected to have clinical signi ficance because it does not alter an amino acid residue and is not located withi n the splice consensus sequence. It has been identified in 9/10406 African chrom osomes by the Exome Aggregation Consortium (ExAC ; dbSNP rs144750850).